The following is an entry in ClinVar:

NM_000526.5(KRT14):c.-6T>C

Gene: KRT14 (keratin 14; minus strand). Cytogenetic location: 17q21.2.
Variant type: single nucleotide variant.
Coding change: c.-6T>C on transcript NM_000526.5 (MANE Select); 6 bases upstream of the start codon, T replaced by C.
Molecular consequence: 5 prime UTR variant.
Genome position (GRCh38, 1-based): chr17:41,586,840, A>G on the plus strand (T>C on the coding strand, the complement: KRT14 is on the minus strand). VCF-style: chr17-41586840-A-G. GRCh37 (hg19) VCF-style: chr17-39743092-A-G.
Identifiers: ClinVar variation 4988791 (VCV004988791.1).

ClinVar aggregate classification (germline): Likely benign (1 of 4 stars; one submission).

Conditions:
KRT14-related disorder. Also called: KRT14-related condition.

gnomAD v4.1: 197 of 1,582,388 alleles (0.012%); highest among the groups gnomAD compares: Non-Finnish European, 0.016%; no homozygotes.

Submission:

PreventionGenetics, part of Exact Sciences
Classification: Likely benign for KRT14-related condition. Last evaluated: 2025-04-01. Review status: criteria provided, single submitter. Criteria: ACMG Guidelines, 2015. Collection method: clinical testing. Allele origin: germline.
Comment: This variant is classified as likely benign based on ACMG/AMP sequence variant interpretation guidelines (Richards et al. 2015 PMID: 25741868, with internal and published modifications).